The following is an entry in ClinVar:

NM_001375524.1(TRRAP):c.4655C>T (p.Ala1552Val)

Gene: TRRAP (transformation/transcription domain associated protein; plus strand). Cytogenetic location: 7q22.1.
Variant type: single nucleotide variant.
Coding change: c.4655C>T on transcript NM_001375524.1 (MANE Select); coding-DNA position 4655, C replaced by T.
Protein change: p.Ala1552Val; replaces alanine 1552 with valine.
Molecular consequence: missense variant.
Genome position (GRCh38, 1-based): chr7:98,948,327, C>T. VCF-style: chr7-98948327-C-T. GRCh37 (hg19) VCF-style: chr7-98545950-C-T.
Other names: c.4634C>T, p.Ala1545Val (NM_001244580.2); c.4580C>T, p.Ala1527Val (NM_003496.4); short protein forms A1527V, A1545V, A1552V.
Identifiers: ClinVar variation 1304572 (VCV001304572.2), dbSNP rs2116603258, ClinGen allele CA368311904.
Genomic context (GRCh38, chr7:98,948,327, plus strand): 5'-CGGCTGCTCCTCAGACACTGGTGAAGCCTTTGCTAGAGGTTGTCATGAAAACGGAGCGGG[C>T]GATGCTGATCGAGGTAAGGGCCATACTGAAGGCTGCTTCTCGCTCTGCCACCCTCCGGTG-3'
Protein context (NP_001362453.1, residues 1542-1562): LLEVVMKTER[Ala1552Val]MLIEAGSPFR

ClinVar aggregate classification (germline): Uncertain significance (1 of 4 stars; one submission).

Allele frequency attached by ClinVar (database versions not stated): gnomAD exomes below 0.00001.
gnomAD v4.1: 2 of 1,614,158 alleles (0.00012%); highest among the groups gnomAD compares: Non-Finnish European, 0.00017%; no homozygotes.

Submission:

GeneDx
Classification: Uncertain significance. Last evaluated: 2020-01-14. Review status: criteria provided, single submitter. Criteria: GeneDx Variant Classification Process June 2021. Collection method: clinical testing. Allele origin: germline. Affected: yes.
Comment: Not observed in large population cohorts (Lek et al., 2016); In silico analysis, which includes protein predictors and evolutionary conservation, supports a deleterious effect; This variant is associated with the following publications: (PMID: 28135719, 28191890)